The following is an entry in ClinVar:

NM_001029883.3(PCARE):c.425C>T (p.Thr142Ile)

Gene: PCARE (photoreceptor cilium actin regulator; minus strand). Cytogenetic location: 2p23.2.
Variant type: single nucleotide variant.
Coding change: c.425C>T on transcript NM_001029883.3 (MANE Select); coding-DNA position 425, C replaced by T.
Protein change: p.Thr142Ile; replaces threonine 142 with isoleucine.
Molecular consequence: missense variant.
Genome position (GRCh38, 1-based): chr2:29,073,837, G>A on the plus strand (C>T on the coding strand, the complement: PCARE is on the minus strand). VCF-style: chr2-29073837-G-A. GRCh37 (hg19) VCF-style: chr2-29296703-G-A.
Other names: short protein forms T142I.
Identifiers: ClinVar variation 1022589 (VCV001022589.8), dbSNP rs377127854, ClinGen allele CA1592653.

ClinVar aggregate classification (germline): Uncertain significance (1 of 4 stars; one submission).

Allele frequency attached by ClinVar (database versions not stated): ExAC 0.00001; gnomAD 0.00001; TOPMed 0.00001; ESP Exome Variant Server 0.00008.

Submission:

Labcorp Genetics (formerly Invitae), Labcorp
Classification: Uncertain significance. Last evaluated: 2020-07-08. Review status: criteria provided, single submitter. Criteria: Invitae Variant Classification Sherloc (09022015). Collection method: clinical testing. Allele origin: germline.
Comment: In summary, the available evidence is currently insufficient to determine the role of this variant in disease. Therefore, it has been classified as a Variant of Uncertain Significance. Algorithms developed to predict the effect of missense changes on protein structure and function (SIFT, PolyPhen-2, Align-GVGD) all suggest that this variant is likely to be tolerated, but these predictions have not been confirmed by published functional studies and their clinical significance is uncertain. This variant has not been reported in the literature in individuals with PCARE-related conditions. This variant is present in population databases (rs377127854, ExAC 0.001%). This sequence change replaces threonine with isoleucine at codon 142 of the PCARE protein (p.Thr142Ile). The threonine residue is moderately conserved and there is a moderate physicochemical difference between threonine and isoleucine.